The following is an entry in ClinVar:

NM_003482.4(KMT2D):c.6089A>C (p.Asn2030Thr)

Gene: KMT2D (lysine methyltransferase 2D; minus strand). Cytogenetic location: 12q13.12.
Variant type: single nucleotide variant.
Coding change: c.6089A>C on transcript NM_003482.4 (MANE Select); coding-DNA position 6089, A replaced by C.
Protein change: p.Asn2030Thr; replaces asparagine 2030 with threonine.
Molecular consequence: missense variant.
Genome position (GRCh38, 1-based): chr12:49,042,109, T>G on the plus strand (A>C on the coding strand, the complement: KMT2D is on the minus strand). VCF-style: chr12-49042109-T-G. GRCh37 (hg19) VCF-style: chr12-49435892-T-G.
Other names: short protein forms N2030T.
Identifiers: ClinVar variation 4529672 (VCV004529672.1).
Genomic context (GRCh38, chr12:49,042,109, plus strand): 5'-TGTTGCCAGGCTGTCTCCCTTGCCCTCATCCCACAGGTACCTGGGTAGTCTTGCTTGAGA[T>G]TAGGAAAATTAATGTTGGCATAGAGCACAGGTGAGATGGTGGACAGCTGGCCCAACTCCT-3'
Protein context (NP_003473.3, residues 2020-2040): PVLYANINFP[Asn2030Thr]LKQDYPDWSS

ClinVar aggregate classification (germline): Uncertain significance (1 of 4 stars; one submission).

Submission:

GeneDx
Classification: Uncertain significance. Last evaluated: 2025-05-15. Review status: criteria provided, single submitter. Criteria: GeneDx Variant Classification Process June 2021. Collection method: clinical testing. Allele origin: germline. Affected: yes.
Comment: Not observed at significant frequency in large population cohorts (gnomAD); In silico analysis supports that this missense variant has a deleterious effect on protein structure/function; Has not been previously published as pathogenic or benign to our knowledge